The following is an entry in ClinVar:

NM_145059.3(FCSK):c.2296C>A (p.Pro766Thr)

Gene: FCSK (fucose kinase; plus strand). Cytogenetic location: 16q22.1.
Variant type: single nucleotide variant.
Coding change: c.2296C>A on transcript NM_145059.3 (MANE Select); coding-DNA position 2296, C replaced by A.
Protein change: p.Pro766Thr; replaces proline 766 with threonine.
Molecular consequence: missense variant.
Genome position (GRCh38, 1-based): chr16:70,474,930, C>A. VCF-style: chr16-70474930-C-A. GRCh37 (hg19) VCF-style: chr16-70508833-C-A.
Other names: short protein forms P766T.
Identifiers: ClinVar variation 4256638 (VCV004256638.2).

ClinVar aggregate classification (germline): Uncertain significance. Review status: criteria provided, multiple submitters, no conflicts (2 of 4 stars). 2 submissions from 2 submitters: Uncertain significance (2). Last evaluated 2026-08-01.

gnomAD v4.1: 15 of 1,611,178 alleles (0.00093%); highest among the groups gnomAD compares: Middle Eastern, 0.017%; no homozygotes.

Submissions (2):

CeGaT Center for Human Genetics Tuebingen
Classification: Uncertain significance. Last evaluated: 2026-08-01. Review status: criteria provided, single submitter. Criteria: CeGaT Center For Human Genetics Tuebingen Variant Classification Criteria Version 2. Collection method: clinical testing. Allele origin: germline. Affected: yes. Observed: 1 variant allele.
Comment: FCSK: PM2, BP4

Ambry Genetics
Classification: Uncertain significance. Last evaluated: 2025-08-07. Review status: criteria provided, single submitter. Criteria: Ambry Variant Classification Scheme 2023. Collection method: clinical testing. Allele origin: germline.